The following is an entry in ClinVar:

NM_032119.4(ADGRV1):c.9476C>T (p.Thr3159Met)

Gene: ADGRV1 (adhesion G protein-coupled receptor V1; plus strand). Cytogenetic location: 5q14.3.
Variant type: single nucleotide variant.
Coding change: c.9476C>T on transcript NM_032119.4 (MANE Select); coding-DNA position 9476, C replaced by T.
Protein change: p.Thr3159Met; replaces threonine 3159 with methionine.
Molecular consequence: missense variant. On other transcripts: non-coding transcript variant (1).
Genome position (GRCh38, 1-based): chr5:90,720,076, C>T. VCF-style: chr5-90720076-C-T. GRCh37 (hg19) VCF-style: chr5-90015893-C-T.
Other names: c.9476C>T (NM_032119.3); short protein forms T3159M.
Identifiers: ClinVar variation 1018785 (VCV001018785.9), dbSNP rs374467239, ClinGen allele CA3340517.

ClinVar aggregate classification (germline): Conflicting classifications of pathogenicity. Review status: criteria provided, conflicting classifications (1 of 4 stars). 2 submissions from 2 submitters: Uncertain significance (1); Likely benign (1). Last evaluated 2026-01-21.

Allele frequency attached by ClinVar (database versions not stated): gnomAD 0.00005 and 0.00006; TOPMed 0.00007; ESP Exome Variant Server 0.00008; ExAC 0.00011.
gnomAD v4.1: 54 of 1,613,474 alleles (0.0033%); highest among the groups gnomAD compares: African/African-American, 0.013%; no homozygotes.

Submissions (2):

Labcorp Genetics (formerly Invitae), Labcorp
Classification: Likely benign. Last evaluated: 2026-01-21. Review status: criteria provided, single submitter. Criteria: Invitae Variant Classification Sherloc (09022015). Collection method: clinical testing. Allele origin: germline.

GeneDx
Classification: Uncertain significance. Last evaluated: 2024-07-26. Review status: criteria provided, single submitter. Criteria: GeneDx Variant Classification Process June 2021. Collection method: clinical testing. Allele origin: germline. Affected: yes.
Comment: In silico analysis indicates that this missense variant does not alter protein structure/function; Has not been previously published as pathogenic or benign to our knowledge